The following is an entry in ClinVar:

NM_004082.5(DCTN1):c.1777C>T (p.Pro593Ser)

Gene: DCTN1 (dynactin subunit 1; minus strand). Cytogenetic location: 2p13.1.
Variant type: single nucleotide variant.
Coding change: c.1777C>T on transcript NM_004082.5 (MANE Select); coding-DNA position 1777, C replaced by T.
Protein change: p.Pro593Ser; replaces proline 593 with serine.
Molecular consequence: missense variant. On other transcripts: non-coding transcript variant (1).
Genome position (GRCh38, 1-based): chr2:74,368,805, G>A on the plus strand (C>T on the coding strand, the complement: DCTN1 is on the minus strand). VCF-style: chr2-74368805-G-A. GRCh37 (hg19) VCF-style: chr2-74595932-G-A.
Other names: c.1717C>T, p.Pro573Ser (NM_001135040.3); c.1375C>T, p.Pro459Ser (NM_001135041.3, NM_023019.4); c.1666C>T, p.Pro556Ser (NM_001190836.2); c.1756C>T, p.Pro586Ser (NM_001190837.2); c.1726C>T, p.Pro576Ser (NM_001378991.1); c.1708C>T, p.Pro570Ser (NM_001378992.1); short protein forms P576S, P556S, P570S, P459S, P573S, P586S, P593S.
Identifiers: ClinVar variation 2121293 (VCV002121293.4), dbSNP rs1296622843, ClinGen allele CA347355470.

ClinVar aggregate classification (germline): Uncertain significance (1 of 4 stars; one submission).

Conditions:
Amyotrophic lateral sclerosis type 1 (ALS1). Also called: AMYOTROPHIC LATERAL SCLEROSIS 1, FAMILIAL. Identifiers: Orphanet 803, MedGen C1862939, MONDO:0007103, OMIM 105400.
Perry syndrome. Also called: PARKINSONISM WITH ALVEOLAR HYPOVENTILATION AND MENTAL DEPRESSION. Identifiers: Orphanet 178509, MedGen C1868594, MONDO:0008201, OMIM 168605.
Neuronopathy, distal hereditary motor, type 7B. Also called: Distal Hereditary Motor Neuronopathy Type 7B (dHMN7B); HMN VIIB; LOWER MOTOR NEURON DISEASE, DYNACTIN TYPE; NEURONOPATHY, DISTAL HEREDITARY MOTOR, AUTOSOMAL DOMINANT 14; NEURONOPATHY, DISTAL HEREDITARY MOTOR, HARDING TYPE VIIB; NEUROPATHY, DISTAL HEREDITARY MOTOR, HARDING TYPE VIIB. Identifiers: Orphanet 139589, MedGen C1843315, MONDO:0011879, OMIM 607641.

Allele frequency attached by ClinVar (database versions not stated): gnomAD 0.00001.
gnomAD v4.1: 1 of 1,614,162 alleles (0.000062%); highest among the groups gnomAD compares: Non-Finnish European, 0.000085%; no homozygotes.

Submission:

Labcorp Genetics (formerly Invitae), Labcorp
Classification: Uncertain significance for Amyotrophic lateral sclerosis type 1; Neuronopathy, distal hereditary motor, type 7B; Perry syndrome. Last evaluated: 2022-04-04. Review status: criteria provided, single submitter. Criteria: Invitae Variant Classification Sherloc (09022015). Collection method: clinical testing. Allele origin: germline.
Comment: This sequence change replaces proline, which is neutral and non-polar, with serine, which is neutral and polar, at codon 593 of the DCTN1 protein (p.Pro593Ser). This variant is present in population databases (no rsID available, gnomAD 0.007%). This variant has not been reported in the literature in individuals affected with DCTN1-related conditions. Algorithms developed to predict the effect of missense changes on protein structure and function (SIFT, PolyPhen-2, Align-GVGD) all suggest that this variant is likely to be disruptive. In summary, the available evidence is currently insufficient to determine the role of this variant in disease. Therefore, it has been classified as a Variant of Uncertain Significance.